The following is an entry in ClinVar:

ClinVar aggregate classification (germline): Benign. Review status: reviewed by expert panel (3 of 4 stars). 16 submissions from 16 submitters: Benign (1). 15 of the submissions do not count toward it. Last evaluated 2020-01-23.

Conditions:
Cardiovascular phenotype. Identifiers: MedGen CN230736.
Glycogen storage disease, type II (IOPD). Also called: CARDIOMEGALIA GLYCOGENICA DIFFUSA; GLYCOGENOSIS, GENERALIZED, CARDIAC FORM; GSD II; Glucosidase acid-1,4-alpha deficiency; Pompe Disease; POMPE DISEASE, INFANTILE-ONSET. Identifiers: Orphanet 365, MedGen C0017921, MONDO:0009290, OMIM 232300.

Allele frequency attached by ClinVar (database versions not stated): 1000 Genomes Project 30x 0.00219; 1000 Genomes Project 0.00240; gnomAD 0.00616 and 0.00638; gnomAD exomes 0.00629 and 0.00840; TOPMed 0.00629; ExAC 0.00694; ESP Exome Variant Server 0.00853.
gnomAD v4.1: 13,156 of 1,603,506 alleles (0.82%); highest among the groups gnomAD compares: Middle Eastern, 2.2%; 74 homozygotes.

Submissions (16):

ClinGen Lysosomal Storage Disorder Variant Curation Expert Panel
Classification: Benign for Glycogen storage disease, type II. Last evaluated: 2020-01-23. Review status: reviewed by expert panel. Criteria: ClinGen LSD ACMG Specifications v1. Collection method: curation. Allele origin: germline. Inheritance: Autosomal recessive inheritance.
Comment: The highest continental population minor allele frequency for c.852G>A (p.Ala284=) in gnomAD v2.1.1 is 0.01017 in the European non-Finnish population. This is higher than the ClinGen LSD VCEP's BA1 threshold (>0.01), meeting this criterion. There is a ClinVar entry for this variant (Variation ID: 188477, two star review status), with 5 submitters classifying the variant as benign. In summary, this variant meets the criteria to be classified as benign for Pompe disease. GAA-specific ACMG/AMP criteria applied, as specified by the ClinGen LSD VCEP: BA1.

CeGaT Center for Human Genetics Tuebingen
Classification: Likely benign. Last evaluated: 2026-09-01. Review status: criteria provided, single submitter. Criteria: CeGaT Center For Human Genetics Tuebingen Variant Classification Criteria Version 2. Collection method: clinical testing. Allele origin: germline. Affected: yes. Observed: 90 variant alleles. Not counted in ClinVar's aggregate classification.
Comment: GAA: BP4, BP7, BS2

Genomenon, Inc
Classification: Benign for Glycogen storage disease, type II. Last evaluated: 2026-07-01. Review status: criteria provided, single submitter. Criteria: Genomenon Sequence Variant Interpretation Standards - Updated. Collection method: curation. Allele origin: germline. Affected: no. Not counted in ClinVar's aggregate classification.
Comment: GAA c.852G>A is a synonymous variant that retains Alanine at codon 284. This variant is present at high allele frequency in population databases. We classify GAA c.852G>A (p.Ala284=) as a benign variant.

Labcorp Genetics (formerly Invitae), Labcorp
Classification: Benign for Glycogen storage disease, type II. Last evaluated: 2026-02-03. Review status: criteria provided, single submitter. Criteria: Invitae Variant Classification Sherloc (09022015). Collection method: clinical testing. Allele origin: germline. Not counted in ClinVar's aggregate classification.

ARUP Laboratories, Molecular Genetics and Genomics, ARUP Laboratories
Classification: Benign for Glycogen storage disease, type II. Last evaluated: 2025-04-21. Review status: criteria provided, single submitter. Criteria: ARUP Molecular Germline Variant Investigation Process 2024. Collection method: clinical testing. Allele origin: germline. Not counted in ClinVar's aggregate classification.

Blueprint Genetics
Classification: Likely benign. Last evaluated: 2024-11-26. Review status: criteria provided, single submitter. Criteria: ACMG Guidelines, 2015. Collection method: clinical testing. Allele origin: germline. Not counted in ClinVar's aggregate classification.

Genome-Nilou Lab
Classification: Benign for Glycogen storage disease, type II. Last evaluated: 2021-07-08. Review status: criteria provided, single submitter. Criteria: ACMG Guidelines, 2015. Collection method: clinical testing. Allele origin: germline. Affected: no. Not counted in ClinVar's aggregate classification.

Ambry Genetics
Classification: Benign for Cardiovascular phenotype. Last evaluated: 2021-06-10. Review status: criteria provided, single submitter. Criteria: Ambry Variant Classification Scheme 2023. Collection method: clinical testing. Allele origin: germline. Not counted in ClinVar's aggregate classification.

Women's Health and Genetics/Laboratory Corporation of America, LabCorp
Classification: Benign. Last evaluated: 2019-04-22. Review status: criteria provided, single submitter. Criteria: LabCorp Variant Classification Summary - May 2015. Collection method: clinical testing. Allele origin: germline. Not counted in ClinVar's aggregate classification.
Comment: Variant summary: GAA c.852G>A alters a non-conserved nucleotide resulting in a synonymous change. 5/5 computational tools predict no significant impact on normal splicing. However, these predictions have yet to be confirmed by functional studies. The variant allele was found at a frequency of 0.0063 in 248578 control chromosomes, predominantly at a frequency of 0.01 within the Non-Finnish European subpopulation in the gnomAD database, including 3 homozygotes. The observed variant frequency within Non-Finnish European control individuals in the gnomAD database is approximately 2 fold of the estimated maximal expected allele frequency for a pathogenic variant in GAA causing Glycogen Storage Disease, Type 2 (Pompe Disease) phenotype (0.0042), strongly suggesting that the variant is a benign polymorphism found primarily in populations of Non-Finnish European origin. The variant, c.852G>A has been reported in the literature in individuals affected with Glycogen Storage Disease, Type 2 (Pompe Disease) without strong evidence of causality (Gort_2007, Herzog_2012, Kroos_2008) . These reports do not provide unequivocal conclusions about association of the variant with Glycogen Storage Disease, Type 2 (Pompe Disease). To our knowledge, no experimental evidence demonstrating an impact on protein function has been reported. Four clinical diagnostic laboratories have submitted clinical-significance assessments for this variant to ClinVar after 2014 without evidence for independent evaluation and classified the variant as benign. Based on the evidence outlined above, the variant was classified as benign.

Illumina Laboratory Services, Illumina
Classification: Likely benign for Glycogen storage disease, type II. Last evaluated: 2018-01-13. Review status: criteria provided, single submitter. Criteria: ICSL Variant Classification Criteria 13 December 2019. Collection method: clinical testing. Allele origin: germline. Not counted in ClinVar's aggregate classification.
Comment: This variant was observed in the ICSL laboratory as part of a predisposition screen in an ostensibly healthy population. It had not been previously curated by ICSL or reported in the Human Gene Mutation Database (HGMD: prior to June 1st, 2018), and was therefore a candidate for classification through an automated scoring system. Utilizing variant allele frequency, disease prevalence and penetrance estimates, and inheritance mode, an automated score was calculated to assess if this variant is too frequent to cause the disease. Based on the score and internal cut-off values, a variant classified as likely benign is not then subjected to further curation. The score for this variant resulted in a classification of likely benign for this disease.

GeneDx
Classification: Benign. Last evaluated: 2015-12-22. Review status: criteria provided, single submitter. Criteria: GeneDx Variant Classification (06012015). Collection method: clinical testing. Allele origin: germline. Affected: yes. Not counted in ClinVar's aggregate classification.
Comment: This variant is considered likely benign or benign based on one or more of the following criteria: it is a conservative change, it occurs at a poorly conserved position in the protein, it is predicted to be benign by multiple in silico algorithms, and/or has population frequency not consistent with disease.

Breakthrough Genomics
Classification: Benign. Review status: criteria provided, single submitter. Criteria: ACMG Guidelines, 2015. Collection method: not provided. Allele origin: germline. Inheritance: Autosomal recessive inheritance. Affected: yes. Not counted in ClinVar's aggregate classification.

PreventionGenetics, part of Exact Sciences
Classification: Benign. Review status: criteria provided, single submitter. Criteria: ACMG Guidelines, 2015. Collection method: clinical testing. Allele origin: germline. Not counted in ClinVar's aggregate classification.

Mayo Clinic Laboratories, Mayo Clinic
Classification: Benign. Last evaluated: 2016-12-30. Review status: no assertion criteria provided. Collection method: clinical testing. Allele origin: unknown. Not counted in ClinVar's aggregate classification.

Clinical Genetics DNA and cytogenetics Diagnostics Lab, Erasmus MC, Erasmus Medical Center
Classification: Benign. Review status: no assertion criteria provided. Collection method: clinical testing. Allele origin: germline. Affected: yes. Study: VKGL Data-share Consensus. Not counted in ClinVar's aggregate classification.

Genome Diagnostics Laboratory, University Medical Center Utrecht
Classification: Likely benign. Review status: no assertion criteria provided. Collection method: clinical testing. Allele origin: germline. Affected: yes. Study: VKGL Data-share Consensus. Not counted in ClinVar's aggregate classification.

Literature cited by the submitters: PubMed 17616415 (cited by Women's Health and Genetics/Laboratory Corporation of America, LabCorp); PubMed 18425781 (cited by Women's Health and Genetics/Laboratory Corporation of America, LabCorp); PubMed 22676651 (cited by Women's Health and Genetics/Laboratory Corporation of America, LabCorp).

NM_000152.5(GAA):c.852G>A (p.Ala284=)

Gene: GAA (alpha glucosidase; plus strand). Cytogenetic location: 17q25.3.
Variant type: single nucleotide variant.
Coding change: c.852G>A on transcript NM_000152.5 (MANE Select); coding-DNA position 852, G replaced by A.
Protein change: p.Ala284=; no amino-acid change (alanine 284 retained).
Molecular consequence: synonymous variant.
Genome position (GRCh38, 1-based): chr17:80,107,716, G>A. VCF-style: chr17-80107716-G-A. GRCh37 (hg19) VCF-style: chr17-78081515-G-A.
Other names: c.852G>A, p.Ala284= (NM_001079803.3, NM_001079804.3).
Identifiers: ClinVar variation 188477 (VCV000188477.72), dbSNP rs142626724, ClinGen allele CA198776.